The following is an entry in ClinVar:

NM_000254.3(MTR):c.2329C>G (p.Leu777Val)

Gene: MTR (5-methyltetrahydrofolate-homocysteine methyltransferase; plus strand). Cytogenetic location: 1q43.
Variant type: single nucleotide variant.
Coding change: c.2329C>G on transcript NM_000254.3 (MANE Select); coding-DNA position 2329, C replaced by G.
Protein change: p.Leu777Val; replaces leucine 777 with valine.
Molecular consequence: missense variant.
Genome position (GRCh38, 1-based): chr1:236,863,478, C>G. VCF-style: chr1-236863478-C-G. GRCh37 (hg19) VCF-style: chr1-237026778-C-G.
Other names: c.2176C>G, p.Leu726Val (NM_001291939.1); c.1108C>G, p.Leu370Val (NM_001291940.2); short protein forms L370V, L777V, L726V.
Identifiers: ClinVar variation 1395911 (VCV001395911.6), dbSNP rs758778075, ClinGen allele CA1474355.
Genomic context (GRCh38, chr1:236,863,478, plus strand): 5'-ACCCTGCCTTGCTGAGCTGCTTGGCTTCCTTTCCAGGACCCTTACCAGGGCACCATCGTG[C>G]TGGCCACTGTTAAAGGCGACGTGCACGACATAGGCAAGAACATAGTTGGAGTAGTCCTTG-3'
Protein context (NP_000245.2, residues 767-787): EEDPYQGTIV[Leu777Val]ATVKGDVHDI

ClinVar aggregate classification (germline): Uncertain significance (1 of 4 stars; one submission).

Conditions:
Methylcobalamin deficiency type cblG (HMAG). Also called: HOMOCYSTINURIA-MEGALOBLASTIC ANEMIA DUE TO DEFECT IN COBALAMIN METABOLISM, cblG COMPLEMENTATION TYPE; HOMOCYSTINURIA-MEGALOBLASTIC ANEMIA, cblG TYPE; HOMOCYSTINURIA-MEGALOBLASTIC ANEMIA, cblG COMPLEMENTATION TYPE; Functional methionine synthase deficiency type cblG. Identifiers: Orphanet 2170, Orphanet 622, MedGen C1855128, MONDO:0009609, OMIM 250940.

Allele frequency attached by ClinVar (database versions not stated): ExAC 0.00001; gnomAD exomes 0.00001.
gnomAD v4.1: 3 of 1,614,004 alleles (0.00019%); highest among the groups gnomAD compares: Non-Finnish European, 0.00025%; no homozygotes.

Submission:

Labcorp Genetics (formerly Invitae), Labcorp
Classification: Uncertain significance for Methylcobalamin deficiency type cblG. Last evaluated: 2025-08-06. Review status: criteria provided, single submitter. Criteria: Invitae Variant Classification Sherloc (09022015). Collection method: clinical testing. Allele origin: germline.
Comment: This sequence change replaces leucine, which is neutral and non-polar, with valine, which is neutral and non-polar, at codon 777 of the MTR protein (p.Leu777Val). This variant is present in population databases (rs758778075, gnomAD 0.002%). This variant has not been reported in the literature in individuals affected with MTR-related conditions. ClinVar contains an entry for this variant (Variation ID: 1395911). Invitae Evidence Modeling of protein sequence and biophysical properties (such as structural, functional, and spatial information, amino acid conservation, physicochemical variation, residue mobility, and thermodynamic stability) has been performed for this missense variant. However, the output from this modeling did not meet the statistical confidence thresholds required to predict the impact of this variant on MTR protein function. In summary, the available evidence is currently insufficient to determine the role of this variant in disease. Therefore, it has been classified as a Variant of Uncertain Significance.